The following is an entry in ClinVar:

ClinVar aggregate classification (germline): Uncertain significance (1 of 4 stars; one submission).

Submission:

Labcorp Genetics (formerly Invitae), Labcorp
Classification: Uncertain significance. Last evaluated: 2024-11-05. Review status: criteria provided, single submitter. Criteria: Invitae Variant Classification Sherloc (09022015). Collection method: clinical testing. Allele origin: germline.
Comment: This sequence change creates a premature translational stop signal (p.Thr272Valfs*27) in the NPAT gene. It is expected to result in an absent or disrupted protein product. However, the current clinical and genetic evidence is not sufficient to establish whether loss-of-function variants in NPAT cause disease. This variant is not present in population databases (gnomAD no frequency). This variant has not been reported in the literature in individuals affected with NPAT-related conditions. ClinVar contains an entry for this variant (Variation ID: 2007951). In summary, the available evidence is currently insufficient to determine the role of this variant in disease. Therefore, it has been classified as a Variant of Uncertain Significance.

NM_002519.3(NPAT):c.814_817del (p.Thr272fs)

Gene: NPAT (nuclear protein, coactivator of histone transcription; minus strand). Cytogenetic location: 11q22.3.
Variant type: Deletion.
Coding change: c.814_817del on transcript NM_002519.3 (MANE Select); coding-DNA positions 814 to 817, 4 bases deleted (ACTA; older notation c.814_817delACTA).
Protein change: p.Thr272fs; shifts the reading frame from threonine 272.
Molecular consequence: frameshift variant.
Genome position (GRCh38, 1-based): chr11:108,185,404-108,185,407, TAGT deleted on the plus strand (ACTA on the coding strand, the reverse complement: NPAT is on the minus strand); deleting any 4 consecutive bases within chr11:108,185,404-108,185,409 gives the same sequence; the c. name uses the placement nearest the transcript's 3' end. VCF-style (leftmost placement, unchanged base first): chr11-108185403-CTAGT-C. GRCh37 (hg19) VCF-style: chr11-108056130-CTAGT-C.
Other names: c.814_817del, p.Thr272fs (NM_001321307.1); short protein forms T272fs.
Identifiers: ClinVar variation 2007951 (VCV002007951.4), dbSNP rs2496738054, ClinGen allele CA2580082949.